The following is an entry in ClinVar:

NM_025114.4(CEP290):c.3286G>T (p.Glu1096Ter)

Gene: CEP290 (centrosomal protein 290; minus strand). Cytogenetic location: 12q21.32.
Variant type: single nucleotide variant.
Coding change: c.3286G>T on transcript NM_025114.4 (MANE Select); coding-DNA position 3286, G replaced by T.
Protein change: p.Glu1096Ter; replaces glutamic acid 1096 with a stop codon.
Molecular consequence: nonsense.
Genome position (GRCh38, 1-based): chr12:88,093,793, C>A on the plus strand (G>T on the coding strand, the complement: CEP290 is on the minus strand). VCF-style: chr12-88093793-C-A. GRCh37 (hg19) VCF-style: chr12-88487570-C-A.
Other names: short protein forms E1096*.
Identifiers: ClinVar variation 2951483 (VCV002951483.3), dbSNP rs2500270196, ClinGen allele CA386005831.

ClinVar aggregate classification (germline): Pathogenic (1 of 4 stars; one submission).

Conditions:
Joubert syndrome. Also called: CEREBELLOPARENCHYMAL DISORDER IV; JOUBERT-BOLTSHAUSER SYNDROME; Familial aplasia of the vermis. Identifiers: Orphanet 475, MedGen C5979921, MONDO:0018772.
Nephronophthisis. Also called: Juvenile Nephronophthisis. Identifiers: Orphanet 655, MedGen C0687120, MONDO:0019005, HP:0000090.
Meckel-Gruber syndrome. Also called: DYSENCEPHALIA SPLANCHNOCYSTICA; GRUBER SYNDROME; Dysencephalia splachnocystica. Identifiers: Orphanet 564, MedGen C0265215, MONDO:0018921.

gnomAD v4.1: 2 of 1,609,718 alleles (0.00012%); highest among the groups gnomAD compares: Non-Finnish European, 0.00017%; no homozygotes.

Submission:

Labcorp Genetics (formerly Invitae), Labcorp
Classification: Pathogenic for Joubert syndrome; Meckel-Gruber syndrome; Nephronophthisis. Last evaluated: 2023-08-31. Review status: criteria provided, single submitter. Criteria: Invitae Variant Classification Sherloc (09022015). Collection method: clinical testing. Allele origin: germline.
Comment: This variant has not been reported in the literature in individuals affected with CEP290-related conditions. This sequence change creates a premature translational stop signal (p.Glu1096*) in the CEP290 gene. It is expected to result in an absent or disrupted protein product. Loss-of-function variants in CEP290 are known to be pathogenic (PMID: 16909394, 17345604, 20690115). This variant is not present in population databases (gnomAD no frequency). Algorithms developed to predict the effect of sequence changes on RNA splicing suggest that this variant may disrupt the consensus splice site. For these reasons, this variant has been classified as Pathogenic.

Literature cited by the submitters: PubMed 16909394; PubMed 17345604; PubMed 20690115.